The following is an entry in ClinVar:

NM_000059.4(BRCA2):c.8001C>T (p.Ser2667=)

Gene: BRCA2 (BRCA2 DNA repair associated; plus strand). Cytogenetic location: 13q13.1.
Variant type: single nucleotide variant.
Coding change: c.8001C>T on transcript NM_000059.4 (MANE Select); coding-DNA position 8001, C replaced by T.
Protein change: p.Ser2667=; no amino-acid change (serine 2667 retained).
Molecular consequence: synonymous variant.
Genome position (GRCh38, 1-based): chr13:32,363,203, C>T. VCF-style: chr13-32363203-C-T. GRCh37 (hg19) VCF-style: chr13-32937340-C-T.
Identifiers: ClinVar variation 184813 (VCV000184813.7), dbSNP rs786201710, ClinGen allele CA025395.

ClinVar aggregate classification (germline): Likely benign. Review status: reviewed by expert panel (3 of 4 stars). 3 submissions from 3 submitters: Likely benign (1). 2 of the submissions do not count toward it. Last evaluated 2017-06-29.

Conditions:
Hereditary cancer-predisposing syndrome. Also called: Tumor predisposition; Hereditary Cancer Syndrome; Hereditary neoplastic syndrome; Neoplastic Syndromes, Hereditary. Identifiers: Orphanet 140162, MedGen C0027672, MeSH D009386, MONDO:0015356.
Breast-ovarian cancer, familial, susceptibility to, 2 (BROVCA2). Also called: BRCA2 Hereditary Breast and Ovarian Cancer. Identifiers: Orphanet 145, MedGen C2675520, MONDO:0012933, OMIM 612555. Disease mechanism: loss of function.

Allele frequency attached by ClinVar (database versions not stated): gnomAD exomes below 0.00001.
gnomAD v4.1: 1 of 1,613,608 alleles (0.000062%); highest among the groups gnomAD compares: Non-Finnish European, 0.000085%; no homozygotes.

Submissions (3):

Evidence-based Network for the Interpretation of Germline Mutant Alleles (ENIGMA)
Classification: Likely benign for Breast-ovarian cancer, familial, susceptibility to, 2. Last evaluated: 2017-06-29. Review status: reviewed by expert panel. Criteria: ENIGMA BRCA1/2 Classification Criteria (2017-06-29). Collection method: curation. Allele origin: germline.
Comment: Synonymous substitution variant, with low bioinformatic likelihood to result in a splicing aberration (Splicing prior probability 0.02).

Color Diagnostics, LLC DBA Color Health
Classification: Likely benign for Hereditary cancer-predisposing syndrome. Last evaluated: 2022-11-21. Review status: criteria provided, single submitter. Criteria: ACMG Guidelines, 2015. Collection method: clinical testing. Allele origin: germline. Not counted in ClinVar's aggregate classification.

Ambry Genetics
Classification: Likely benign for Hereditary cancer-predisposing syndrome. Last evaluated: 2014-03-11. Review status: criteria provided, single submitter. Criteria: Ambry Autosomal Dominant and X-Linked criteria (10/2015). Collection method: clinical testing. Allele origin: germline. Observed: 1 variant allele. Not counted in ClinVar's aggregate classification.